The following is an entry in ClinVar:

ClinVar aggregate classification (germline): Conflicting classifications of pathogenicity. Review status: criteria provided, conflicting classifications (1 of 4 stars). 4 submissions from 4 submitters: Uncertain significance (1); Benign (2); Likely benign (1). Last evaluated 2025-11-25.

Conditions:
Inborn genetic diseases. Identifiers: MedGen C0950123, MeSH D030342.
Congenital stationary night blindness autosomal dominant 3. Also called: NIGHT BLINDNESS, CONGENITAL STATIONARY, NOUGARET TYPE. Identifiers: Orphanet 215, MedGen C1864870, MONDO:0012497, OMIM 610444.

Allele frequency attached by ClinVar (database versions not stated): ESP Exome Variant Server 0.00015; 1000 Genomes Project 30x 0.00016; TOPMed 0.00018; 1000 Genomes Project 0.00020; gnomAD 0.00024 and 0.00026.
gnomAD v4.1: 305 of 1,614,088 alleles (0.019%); highest among the groups gnomAD compares: African/African-American, 0.023%; no homozygotes.

Submissions (4):

Labcorp Genetics (formerly Invitae), Labcorp
Classification: Likely benign. Last evaluated: 2025-11-25. Review status: criteria provided, single submitter. Criteria: Invitae Variant Classification Sherloc (09022015). Collection method: clinical testing. Allele origin: germline.

Blueprint Genetics
Classification: Benign. Last evaluated: 2024-11-26. Review status: criteria provided, single submitter. Criteria: ACMG Guidelines, 2015. Collection method: clinical testing. Allele origin: germline.

Ambry Genetics
Classification: Uncertain significance for Inborn genetic diseases. Last evaluated: 2021-10-26. Review status: criteria provided, single submitter. Criteria: Ambry Variant Classification Scheme 2023. Collection method: clinical testing. Allele origin: germline.

Illumina Laboratory Services, Illumina
Classification: Benign for Congenital stationary night blindness autosomal dominant 3. Last evaluated: 2018-01-13. Review status: criteria provided, single submitter. Criteria: ICSL Variant Classification Criteria 13 December 2019. Collection method: clinical testing. Allele origin: germline.
Comment: This variant was observed in the ICSL laboratory as part of a predisposition screen in an ostensibly healthy population. It had not been previously curated by ICSL or reported in the Human Gene Mutation Database (HGMD: prior to June 1st, 2018), and was therefore a candidate for classification through an automated scoring system. Utilizing variant allele frequency, disease prevalence and penetrance estimates, and inheritance mode, an automated score was calculated to assess if this variant is too frequent to cause the disease. Based on the score and internal cut-off values, a variant classified as benign is not then subjected to further curation. The score for this variant resulted in a classification of benign for this disease.

NM_144499.3(GNAT1):c.241G>A (p.Val81Ile)

Gene: GNAT1 (G protein subunit alpha transducin 1; plus strand). Cytogenetic location: 3p21.31.
Variant type: single nucleotide variant.
Coding change: c.241G>A on transcript NM_144499.3 (MANE Select); coding-DNA position 241, G replaced by A.
Protein change: p.Val81Ile; replaces valine 81 with isoleucine.
Molecular consequence: missense variant.
Genome position (GRCh38, 1-based): chr3:50,193,356, G>A. VCF-style: chr3-50193356-G-A. GRCh37 (hg19) VCF-style: chr3-50230789-G-A.
Other names: c.241G>A, p.Val81Ile (NM_000172.4); short protein forms V81I.
Identifiers: ClinVar variation 346048 (VCV000346048.15), dbSNP rs201849628, ClinGen allele CA2412489.